The following is an entry in ClinVar:

ClinVar aggregate classification (germline): Uncertain significance (1 of 4 stars; one submission).

Conditions:
Perlman syndrome (PRLMNS). Identifiers: Orphanet 2849, MedGen C0796113, MONDO:0009965, OMIM 267000.

Submission:

Labcorp Genetics (formerly Invitae), Labcorp
Classification: Uncertain significance for Perlman syndrome. Last evaluated: 2021-09-01. Review status: criteria provided, single submitter. Criteria: Invitae Variant Classification Sherloc (09022015). Collection method: clinical testing. Allele origin: germline.
Comment: This sequence change replaces alanine with threonine at codon 510 of the DIS3L2 protein (p.Ala510Thr). The alanine residue is weakly conserved and there is a small physicochemical difference between alanine and threonine. This variant is not present in population databases (ExAC no frequency). This variant has not been reported in the literature in individuals affected with DIS3L2-related conditions. Algorithms developed to predict the effect of missense changes on protein structure and function (SIFT, PolyPhen-2, Align-GVGD) all suggest that this variant is likely to be tolerated. In summary, the available evidence is currently insufficient to determine the role of this variant in disease. Therefore, it has been classified as a Variant of Uncertain Significance.

NM_152383.5(DIS3L2):c.1528G>A (p.Ala510Thr)

Gene: DIS3L2 (DIS3 like 3'-5' exoribonuclease 2; plus strand). Cytogenetic location: 2q37.1.
Variant type: single nucleotide variant.
Coding change: c.1528G>A on transcript NM_152383.5 (MANE Select); coding-DNA position 1528, G replaced by A.
Protein change: p.Ala510Thr; replaces alanine 510 with threonine.
Molecular consequence: missense variant. On other transcripts: non-coding transcript variant (2).
Genome position (GRCh38, 1-based): chr2:232,263,309, G>A. VCF-style: chr2-232263309-G-A. GRCh37 (hg19) VCF-style: chr2-233128019-G-A.
Other names: c.1528G>A, p.Ala510Thr (NM_001257281.2); short protein forms A510T.
Identifiers: ClinVar variation 1024202 (VCV001024202.6), dbSNP rs1693766769, ClinGen allele CA350975464.
Genomic context (GRCh38, chr2:232,263,309, plus strand): 5'-ACCAAACTTAGCTACGAGCATGCACAGAGCATGATTGAAAGCCCAACTGAGAAAATCCCT[G>A]CGAAAGAGCTGCCCCCCATTTCCCCAGAGCATAGCAGCGAGGAGGTACACCAGGCCGTCT-3'
Protein context (NP_689596.4, residues 500-520): MIESPTEKIP[Ala510Thr]KELPPISPEH